The following is an entry in ClinVar:

NM_032977.4(CASP10):c.303A>T (p.Glu101Asp)

Gene: CASP10 (caspase 10; plus strand). Cytogenetic location: 2q33.1.
Variant type: single nucleotide variant.
Coding change: c.303A>T on transcript NM_032977.4 (MANE Select); coding-DNA position 303, A replaced by T.
Protein change: p.Glu101Asp; replaces glutamic acid 101 with aspartic acid.
Molecular consequence: missense variant.
Genome position (GRCh38, 1-based): chr2:201,186,080, A>T. VCF-style: chr2-201186080-A-T. GRCh37 (hg19) VCF-style: chr2-202050803-A-T.
Other names: c.303A>T, p.Glu101Asp (NM_001206524.2, NM_001206542.2, NM_001230.5 and 3 more transcripts); short protein forms E101D.
Identifiers: ClinVar variation 1976325 (VCV001976325.5), dbSNP rs2469360995, ClinGen allele CA350278028.

ClinVar aggregate classification (germline): Uncertain significance (1 of 4 stars; one submission).

Conditions:
Autoimmune lymphoproliferative syndrome type 2A (ALPS2A). Also called: Autoimmune lymphoproliferative syndrome type 2; CASP10-Related Autoimmune Lymphoproliferative Syndrome; AUTOIMMUNE LYMPHOPROLIFERATIVE SYNDROME, TYPE IIA. Identifiers: Orphanet 3261, MedGen C1858968, MONDO:0011383, OMIM 603909.

Submission:

Labcorp Genetics (formerly Invitae), Labcorp
Classification: Uncertain significance for Autoimmune lymphoproliferative syndrome type 2A. Last evaluated: 2024-04-05. Review status: criteria provided, single submitter. Criteria: Invitae Variant Classification Sherloc (09022015). Collection method: clinical testing. Allele origin: germline.
Comment: This sequence change replaces glutamic acid, which is acidic and polar, with aspartic acid, which is acidic and polar, at codon 101 of the CASP10 protein (p.Glu101Asp). This variant is not present in population databases (gnomAD no frequency). This variant has not been reported in the literature in individuals affected with CASP10-related conditions. ClinVar contains an entry for this variant (Variation ID: 1976325). Advanced modeling of protein sequence and biophysical properties (such as structural, functional, and spatial information, amino acid conservation, physicochemical variation, residue mobility, and thermodynamic stability) performed at Invitae indicates that this missense variant is not expected to disrupt CASP10 protein function with a negative predictive value of 80%. In summary, the available evidence is currently insufficient to determine the role of this variant in disease. Therefore, it has been classified as a Variant of Uncertain Significance.